The following is an entry in ClinVar:

NM_000051.4(ATM):c.1552G>T (p.Glu518Ter)

Gene: ATM (ATM serine/threonine kinase; plus strand). Cytogenetic location: 11q22.3.
Variant type: single nucleotide variant.
Coding change: c.1552G>T on transcript NM_000051.4 (MANE Select); coding-DNA position 1552, G replaced by T.
Protein change: p.Glu518Ter; replaces glutamic acid 518 with a stop codon.
Molecular consequence: nonsense.
Genome position (GRCh38, 1-based): chr11:108,251,017, G>T. VCF-style: chr11-108251017-G-T. GRCh37 (hg19) VCF-style: chr11-108121744-G-T.
Other names: c.1552G>T, p.Glu518Ter (NM_001351834.2); short protein forms E518*.
Identifiers: ClinVar variation 2036082 (VCV002036082.6), dbSNP rs2135326709, ClinGen allele CA382534337.
Genomic context (GRCh38, chr11:108,251,017, plus strand): 5'-GAGCAAATACAAGCTGAAAACTTTGGCTTACTTGGAGCCATAATTCAGGGTAGTTTAGTT[G>T]AGGTTGACAGAGAATTCTGGAAGTTATTTACTGGGTCAGCCTGCAGACCTTCATGGTAAG-3'

ClinVar aggregate classification (germline): Pathogenic. Review status: criteria provided, multiple submitters, no conflicts (2 of 4 stars). 3 submissions from 3 submitters: Pathogenic (3). Last evaluated 2026-07-23.

Conditions:
Hereditary cancer-predisposing syndrome. Also called: Hereditary neoplastic syndrome; Neoplastic Syndromes, Hereditary; Tumor predisposition; Hereditary Cancer Syndrome. Identifiers: Orphanet 140162, MedGen C0027672, MeSH D009386, MONDO:0015356.
Ataxia-telangiectasia syndrome (AT). Also called: Ataxia-telangiectasia, complementation group D; AT, COMPLEMENTATION GROUP C; ATAXIA-TELANGIECTASIA, COMPLEMENTATION GROUP A; ATAXIA-TELANGIECTASIA, FRESNO VARIANT; Ataxia-telangiectasia; LOUIS-BAR SYNDROME. Identifiers: Orphanet 100, MedGen C0004135, MONDO:0008840, OMIM 208900.
Familial cancer of breast. Also called: Hereditary breast cancer; BREAST CANCER, FAMILIAL; hereditary breast carcinoma. Identifiers: Orphanet 227535, MedGen C0346153, MONDO:0016419, OMIM 114480. Disease mechanism: loss of function.

Submissions (3):

Ambry Genetics
Classification: Pathogenic for Hereditary cancer-predisposing syndrome. Last evaluated: 2026-07-23. Review status: criteria provided, single submitter. Criteria: Ambry Variant Classification Scheme 2023. Collection method: clinical testing. Allele origin: germline.
Comment: The p.E518* pathogenic mutation (also known as c.1552G>T), located in coding exon 9 of the ATM gene, results from a G to T substitution at nucleotide position 1552. This changes the amino acid from a glutamic acid to a stop codon within coding exon 9. This variant is considered to be rare based on population cohorts in the Genome Aggregation Database (gnomAD). This alteration is expected to result in loss of function by premature protein truncation or nonsense-mediated mRNA decay. As such, this alteration is interpreted as a disease-causing mutation.

Labcorp Genetics (formerly Invitae), Labcorp
Classification: Pathogenic for Ataxia-telangiectasia syndrome. Last evaluated: 2025-11-20. Review status: criteria provided, single submitter. Criteria: Invitae Variant Classification Sherloc (09022015). Collection method: clinical testing. Allele origin: germline.
Comment: This sequence change creates a premature translational stop signal (p.Glu518*) in the ATM gene. It is expected to result in an absent or disrupted protein product. Loss-of-function variants in ATM are known to be pathogenic (PMID: 23807571, 25614872). This variant is not present in population databases (gnomAD no frequency). This variant has not been reported in the literature in individuals affected with ATM-related conditions. ClinVar contains an entry for this variant (Variation ID: 2036082). For these reasons, this variant has been classified as Pathogenic.

Myriad Genetics, Inc.
Classification: Pathogenic for Familial cancer of breast. Last evaluated: 2024-01-16. Review status: criteria provided, single submitter. Criteria: Myriad Autosomal Dominant, Autosomal Recessive and X-Linked Classification Criteria (2023). Collection method: clinical testing. Allele origin: unknown.
Comment: This variant is considered pathogenic. This variant creates a termination codon and is predicted to result in premature protein truncation.

Literature cited by the submitters: PubMed 23807571 (cited by Labcorp Genetics (formerly Invitae), Labcorp); PubMed 25614872 (cited by Labcorp Genetics (formerly Invitae), Labcorp).